The following is an entry in ClinVar:

ClinVar aggregate classification (germline): Uncertain significance (1 of 4 stars; one submission).

Submission:

Labcorp Genetics (formerly Invitae), Labcorp
Classification: Uncertain significance. Last evaluated: 2022-02-25. Review status: criteria provided, single submitter. Criteria: Invitae Variant Classification Sherloc (09022015). Collection method: clinical testing. Allele origin: germline.
Comment: In summary, the available evidence is currently insufficient to determine the role of this variant in disease. Therefore, it has been classified as a Variant of Uncertain Significance. Algorithms developed to predict the effect of missense changes on protein structure and function are either unavailable or do not agree on the potential impact of this missense change (SIFT: "Tolerated"; PolyPhen-2: "Not Available"; Align-GVGD: "Class C0"). This variant has not been reported in the literature in individuals affected with HMX1-related conditions. This variant is not present in population databases (gnomAD no frequency). This sequence change replaces glutamic acid, which is acidic and polar, with lysine, which is basic and polar, at codon 80 of the HMX1 protein (p.Glu80Lys).

NM_018942.3(HMX1):c.238G>A (p.Glu80Lys)

Gene: HMX1 (H6 family homeobox 1; minus strand). Cytogenetic location: 4p16.1.
Variant type: single nucleotide variant.
Coding change: c.238G>A on transcript NM_018942.3 (MANE Select); coding-DNA position 238, G replaced by A.
Protein change: p.Glu80Lys; replaces glutamic acid 80 with lysine.
Molecular consequence: missense variant.
Genome position (GRCh38, 1-based): chr4:8,871,377, C>T on the plus strand (G>A on the coding strand, the complement: HMX1 is on the minus strand). VCF-style: chr4-8871377-C-T. GRCh37 (hg19) VCF-style: chr4-8873103-C-T.
Other names: c.238G>A, p.Glu80Lys (NM_001306142.2); short protein forms E80K.
Identifiers: ClinVar variation 2103316 (VCV002103316.4), dbSNP rs2474397843, ClinGen allele CA356279051.